The following is an entry in ClinVar:

ClinVar aggregate classification (germline): Uncertain significance (1 of 4 stars; one submission).

Conditions:
Fibrous dysplasia of jaw (CRBM). Also called: Cherubism. Identifiers: Orphanet 184, MedGen C0008029, MONDO:0007315, OMIM 118400.

Submission:

Labcorp Genetics (formerly Invitae), Labcorp
Classification: Uncertain significance for Fibrous dysplasia of jaw. Last evaluated: 2022-12-04. Review status: criteria provided, single submitter. Criteria: Invitae Variant Classification Sherloc (09022015). Collection method: clinical testing. Allele origin: germline.
Comment: This variant is not present in population databases (gnomAD no frequency). In summary, the available evidence is currently insufficient to determine the role of this variant in disease. Therefore, it has been classified as a Variant of Uncertain Significance. Advanced modeling of protein sequence and biophysical properties (such as structural, functional, and spatial information, amino acid conservation, physicochemical variation, residue mobility, and thermodynamic stability) performed at Invitae indicates that this missense variant is not expected to disrupt SH3BP2 protein function. This variant has not been reported in the literature in individuals affected with SH3BP2-related conditions. This sequence change replaces alanine, which is neutral and non-polar, with glycine, which is neutral and non-polar, at codon 382 of the SH3BP2 protein (p.Ala382Gly).

NM_001122681.2(SH3BP2):c.1145C>G (p.Ala382Gly)

Gene: SH3BP2 (SH3 domain binding protein 2; plus strand). Cytogenetic location: 4p16.3.
Variant type: single nucleotide variant.
Coding change: c.1145C>G on transcript NM_001122681.2 (MANE Select); coding-DNA position 1145, C replaced by G.
Protein change: p.Ala382Gly; replaces alanine 382 with glycine.
Molecular consequence: missense variant.
Genome position (GRCh38, 1-based): chr4:2,830,051, C>G. VCF-style: chr4-2830051-C-G. GRCh37 (hg19) VCF-style: chr4-2831778-C-G.
Other names: c.1229C>G, p.Ala410Gly (NM_001145855.2); c.1316C>G, p.Ala439Gly (NM_001145856.2); c.1145C>G, p.Ala382Gly (NM_003023.4); short protein forms A439G, A382G, A410G.
Identifiers: ClinVar variation 2817173 (VCV002817173.3), dbSNP rs2530351179, ClinGen allele CA356057245.